The following is an entry in ClinVar:

ClinVar aggregate classification (germline): Conflicting classifications of pathogenicity. Review status: criteria provided, conflicting classifications (1 of 4 stars). 3 submissions from 3 submitters: Uncertain significance (2); Likely benign (1). Last evaluated 2025-12-09.

Conditions:
Progressive familial heart block type IB (PFHB1B). Identifiers: Orphanet 871, MedGen C1970298, MONDO:0011474, OMIM 604559.
Cardiovascular phenotype. Identifiers: MedGen CN230736.

Allele frequency attached by ClinVar (database versions not stated): ExAC 0.00001; gnomAD exomes 0.00002; gnomAD 0.00005 and 0.00007; TOPMed 0.00006; ESP Exome Variant Server 0.00008.
gnomAD v4.1: 33 of 1,606,154 alleles (0.0021%); highest among the groups gnomAD compares: African/African-American, 0.013%; no homozygotes.

Submissions (3):

Labcorp Genetics (formerly Invitae), Labcorp
Classification: Uncertain significance for Progressive familial heart block type IB. Last evaluated: 2025-12-09. Review status: criteria provided, single submitter. Criteria: Invitae Variant Classification Sherloc (09022015). Collection method: clinical testing. Allele origin: germline.
Comment: This sequence change replaces glycine, which is neutral and non-polar, with serine, which is neutral and polar, at codon 84 of the TRPM4 protein (p.Gly84Ser). The frequency data for this variant in the population databases is considered unreliable, as metrics indicate poor data quality at this position in the gnomAD database. This variant has not been reported in the literature in individuals affected with TRPM4-related conditions. ClinVar contains an entry for this variant (Variation ID: 329842). An algorithm developed to predict the effect of missense changes on protein structure and function outputs the following: PolyPhen-2: "Benign". The serine amino acid residue is found in multiple mammalian species, which suggests that this missense change does not adversely affect protein function. In summary, the available evidence is currently insufficient to determine the role of this variant in disease. Therefore, it has been classified as a Variant of Uncertain Significance.

Ambry Genetics
Classification: Likely benign for Cardiovascular phenotype. Last evaluated: 2025-01-02. Review status: criteria provided, single submitter. Criteria: Ambry Variant Classification Scheme 2023. Collection method: clinical testing. Allele origin: germline.

Illumina Laboratory Services, Illumina
Classification: Uncertain significance for Progressive familial heart block type IB. Last evaluated: 2018-01-12. Review status: criteria provided, single submitter. Criteria: ICSL Variant Classification Criteria 13 December 2019. Collection method: clinical testing. Allele origin: germline.

NM_017636.4(TRPM4):c.250G>A (p.Gly84Ser)

Gene: TRPM4 (transient receptor potential cation channel subfamily M member 4; plus strand). Cytogenetic location: 19q13.33.
Variant type: single nucleotide variant.
Coding change: c.250G>A on transcript NM_017636.4 (MANE Select); coding-DNA position 250, G replaced by A.
Protein change: p.Gly84Ser; replaces glycine 84 with serine.
Molecular consequence: missense variant. On other transcripts: 5 prime UTR variant (1), intron variant (2).
Genome position (GRCh38, 1-based): chr19:49,166,198, G>A. VCF-style: chr19-49166198-G-A. GRCh37 (hg19) VCF-style: chr19-49669455-G-A.
Other names: c.250G>A, p.Gly84Ser (NM_001195227.2, NM_001321281.2); c.-1123G>A (NM_001321282.2); c.-74-2062G>A (NM_001321283.2); c.-237-2355G>A (NM_001321285.2); short protein forms G84S.
Identifiers: ClinVar variation 329842 (VCV000329842.15), dbSNP rs151258293, ClinGen allele CA9568739.